The following is an entry in ClinVar:

ClinVar aggregate classification (germline): Conflicting classifications of pathogenicity. Review status: criteria provided, conflicting classifications (1 of 4 stars). 6 submissions from 6 submitters: Uncertain significance (1); Likely benign (4). 1 of the submissions does not count toward it. Last evaluated 2025-12-05.

Conditions:
DYNC1H1-related disorder. Also called: DYNC1H1-related condition; DYNC1H1-related disorders. Identifiers: MedGen CN381529.
Charcot-Marie-Tooth disease. Also called: Charcot-Marie-Tooth Neuropathy; Charcot-Marie-Tooth Hereditary Neuropathy. Identifiers: Orphanet 166, MedGen C0007959, MONDO:0015626.
Charcot-Marie-Tooth disease axonal type 2O. Also called: Charcot-Marie-Tooth Neuropathy Type 2O; CHARCOT-MARIE-TOOTH NEUROPATHY, AXONAL, TYPE 2O; CHARCOT-MARIE-TOOTH DISEASE, AXONAL, AUTOSOMAL DOMINANT, TYPE 2O; Charcot-Marie-Tooth disease, axonal, type 20. Identifiers: Orphanet 284232, MedGen C3280220, MONDO:0013644, OMIM 614228.

Allele frequency attached by ClinVar (database versions not stated): ExAC 0.00003; gnomAD 0.00003 and 0.00004; TOPMed 0.00003; gnomAD exomes 0.00006.
gnomAD v4.1: 274 of 1,614,084 alleles (0.017%); highest among the groups gnomAD compares: Non-Finnish European, 0.023%; no homozygotes.

Submissions (6):

Labcorp Genetics (formerly Invitae), Labcorp
Classification: Likely benign for Charcot-Marie-Tooth disease axonal type 2O. Last evaluated: 2025-12-05. Review status: criteria provided, single submitter. Criteria: Invitae Variant Classification Sherloc (09022015). Collection method: clinical testing. Allele origin: germline.

Blueprint Genetics
Classification: Likely benign. Last evaluated: 2024-08-12. Review status: criteria provided, single submitter. Criteria: ACMG Guidelines, 2015. Collection method: clinical testing. Allele origin: germline.

Genetic Services Laboratory, University of Chicago
Classification: Uncertain significance. Last evaluated: 2018-09-21. Review status: criteria provided, single submitter. Criteria: ACMG Guidelines, 2015. Collection method: clinical testing. Allele origin: germline. Affected: no.

GeneDx
Classification: Likely benign. Last evaluated: 2017-11-24. Review status: criteria provided, single submitter. Criteria: GeneDx Variant Classification (06012015). Collection method: clinical testing. Allele origin: germline. Affected: yes.
Comment: This variant is considered likely benign or benign based on one or more of the following criteria: it is a conservative change, it occurs at a poorly conserved position in the protein, it is predicted to be benign by multiple in silico algorithms, and/or has population frequency not consistent with disease.

Molecular Genetics Laboratory, London Health Sciences Centre
Classification: Likely benign for Charcot-Marie-Tooth disease. Review status: criteria provided, single submitter. Criteria: ACMG Guidelines, 2015. Collection method: clinical testing. Allele origin: germline. Affected: yes.

PreventionGenetics, part of Exact Sciences
Classification: Likely benign for DYNC1H1-related condition. Last evaluated: 2024-09-06. Review status: no assertion criteria provided. Collection method: clinical testing. Allele origin: germline. Not counted in ClinVar's aggregate classification.
Comment: This variant is classified as likely benign based on ACMG/AMP sequence variant interpretation guidelines (Richards et al. 2015 PMID: 25741868, with internal and published modifications).

NM_001376.5(DYNC1H1):c.8637+9C>T

Gene: DYNC1H1 (dynein cytoplasmic 1 heavy chain 1; plus strand). Cytogenetic location: 14q32.31.
Variant type: single nucleotide variant.
Coding change: c.8637+9C>T on transcript NM_001376.5 (MANE Select); 9 bases into the intron after coding-DNA position 8637, C replaced by T.
Molecular consequence: intron variant.
Genome position (GRCh38, 1-based): chr14:102,022,889, C>T. VCF-style: chr14-102022889-C-T. GRCh37 (hg19) VCF-style: chr14-102489226-C-T.
Identifiers: ClinVar variation 508887 (VCV000508887.19), dbSNP rs202042156, ClinGen allele CA7353067.